The following is an entry in ClinVar:

ClinVar aggregate classification (germline): Uncertain significance (1 of 4 stars; one submission).

Submission:

Ambry Genetics
Classification: Uncertain significance. Last evaluated: 2023-09-24. Review status: criteria provided, single submitter. Criteria: Ambry Variant Classification Scheme 2023. Collection method: clinical testing. Allele origin: germline.
Comment: The p.C1172W variant (also known as c.3516C>G), located in coding exon 17 of the NPAT gene, results from a C to G substitution at nucleotide position 3516. The cysteine at codon 1172 is replaced by tryptophan, an amino acid with highly dissimilar properties. This amino acid position is conserved. In addition, this alteration is predicted to be tolerated by in silico analysis. Since supporting evidence is limited at this time, the clinical significance of this alteration remains unclear.

NM_002519.3(NPAT):c.3516C>G (p.Cys1172Trp)

Gene: NPAT (nuclear protein, coactivator of histone transcription; minus strand). Cytogenetic location: 11q22.3.
Variant type: single nucleotide variant.
Coding change: c.3516C>G on transcript NM_002519.3 (MANE Select); coding-DNA position 3516, C replaced by G.
Protein change: p.Cys1172Trp; replaces cysteine 1172 with tryptophan.
Molecular consequence: missense variant.
Genome position (GRCh38, 1-based): chr11:108,161,570, G>C on the plus strand (C>G on the coding strand, the complement: NPAT is on the minus strand). VCF-style: chr11-108161570-G-C. GRCh37 (hg19) VCF-style: chr11-108032297-G-C.
Other names: c.3537C>G, p.Cys1179Trp (NM_001321307.1); short protein forms C1172W, C1179W.
Identifiers: ClinVar variation 3222595 (VCV003222595.1), dbSNP rs2496695743, ClinGen allele CA382510636.